The following is an entry in ClinVar:

ClinVar aggregate classification (germline): Uncertain significance (1 of 4 stars; one submission).

Submission:

GeneDx
Classification: Uncertain significance. Last evaluated: 2022-11-14. Review status: criteria provided, single submitter. Criteria: GeneDx Variant Classification Process June 2021. Collection method: clinical testing. Allele origin: germline. Affected: yes.
Comment: Not observed at significant frequency in large population cohorts (gnomAD); In silico analysis supports a deleterious effect on splicing; Has not been previously published as pathogenic or benign to our knowledge

NM_001267550.2(TTN):c.11311+3A>C

Gene: TTN (titin; minus strand). Cytogenetic location: 2q31.2.
Variant type: single nucleotide variant.
Coding change: c.11311+3A>C on transcript NM_001267550.2 (MANE Select); 3 bases into the intron after coding-DNA position 11311, A replaced by C.
Molecular consequence: intron variant.
Genome position (GRCh38, 1-based): chr2:178,753,121, T>G on the plus strand (A>C on the coding strand, the complement: TTN is on the minus strand). VCF-style: chr2-178753121-T-G. GRCh37 (hg19) VCF-style: chr2-179617848-T-G.
Other names: c.10222+3A>C (NM_003319.4); c.10798+3A>C (NM_133437.4); c.10597+3A>C (NM_133432.3); c.10360+3A>C (NM_133378.4, NM_001256850.1, NM_133379.5).
Identifiers: ClinVar variation 2502545 (VCV002502545.1), dbSNP rs2531563408, ClinGen allele CA2580616620.